The following is an entry in ClinVar:

NM_012471.3(TRPC5):c.2289T>C (p.Asn763=)

Gene: TRPC5 (transient receptor potential cation channel subfamily C member 5; minus strand). Cytogenetic location: Xq23.
Variant type: single nucleotide variant.
Coding change: c.2289T>C on transcript NM_012471.3 (MANE Select); coding-DNA position 2289, T replaced by C.
Protein change: p.Asn763=; no amino-acid change (asparagine 763 retained).
Molecular consequence: synonymous variant.
Genome position (GRCh38, 1-based): chrX:111,776,946, A>G on the plus strand (T>C on the coding strand, the complement: TRPC5 is on the minus strand). VCF-style: chrX-111776946-A-G. GRCh37 (hg19) VCF-style: chrX-111020174-A-G.
Identifiers: ClinVar variation 3032697 (VCV003032697.2), dbSNP rs748787765, ClinGen allele CA334448404.

ClinVar aggregate classification (germline): Likely benign (0 of 4 stars; one submission).

Conditions:
TRPC5-related disorder. Also called: TRPC5-related condition.

Allele frequency attached by ClinVar (database versions not stated): TOPMed 0.00005.
gnomAD v4.1: 43 of 1,180,581 alleles (0.0036%); highest among the groups gnomAD compares: Admixed American, 0.0073%; no homozygotes.

Submission:

PreventionGenetics, part of Exact Sciences
Classification: Likely benign for TRPC5-related condition. Last evaluated: 2021-05-19. Review status: no assertion criteria provided. Collection method: clinical testing. Allele origin: germline.
Comment: This variant is classified as likely benign based on ACMG/AMP sequence variant interpretation guidelines (Richards et al. 2015 PMID: 25741868, with internal and published modifications).